The following is an entry in ClinVar:

ClinVar aggregate classification (germline): Likely benign. Review status: reviewed by expert panel (3 of 4 stars). 4 submissions from 4 submitters: Likely benign (1). 3 of the submissions do not count toward it. Last evaluated 2026-04-29.

Conditions:
Hereditary thrombocytopenia and hematologic cancer predisposition syndrome. Identifiers: Orphanet 71290, MedGen CN281654, MONDO:0011071.
Inborn genetic diseases. Identifiers: MedGen C0950123, MeSH D030342.
Hereditary thrombocytopenia and hematological cancer predisposition syndrome associated with RUNX1. Also called: Familial Platelet Disorder with Propensity to Acute Myelogenous Leukemia; Familial thrombocytopenia with propensity to acute myelogenous leukemia; PLATELET DISORDER, ASPIRIN-LIKE; RUNX1 Familial Platelet Disorder with Associated Myeloid Malignancies. Identifiers: Orphanet 71290, MedGen C1832388, MeSH C563324, MONDO:0100083, OMIM 601399.

Allele frequency attached by ClinVar (database versions not stated): gnomAD exomes below 0.00001 and 0.00001; ExAC 0.00003; gnomAD 0.00003 and 0.00004; TOPMed 0.00005.
gnomAD v4.1: 9 of 1,606,538 alleles (0.00056%); highest among the groups gnomAD compares: African/African-American, 0.011%; no homozygotes.

Submissions (4):

ClinGen Myeloid Malignancy Variant Curation Expert Panel
Classification: Likely benign for Hereditary thrombocytopenia and hematologic cancer predisposition syndrome. Last evaluated: 2026-04-29. Review status: reviewed by expert panel. Criteria: ClinGen MyeloMalig ACMG Specifications V3.1. Collection method: curation. Allele origin: germline. Inheritance: Autosomal dominant inheritance.
Comment: NM_001754.5(RUNX1):c.1044C>T (p.His348=) is a synonymous variant which has a SpliceAI score ≤ 0.20 (0.0) (BP4, BP7). This variant has a MAF ≤ 0.00005 in gnomAD v4 across all subpopulations with at least 20x coverage for RUNX1 (PM2_supporting). In summary, this variant meets criteria to be classified as likely benign. ACMG/AMP criteria applied, as specified by the Myeloid Malignancy Variant Curation Expert Panel for RUNX1: BP4, BP7, PM2_supporting.

Ambry Genetics
Classification: Likely benign for Inborn genetic diseases. Last evaluated: 2024-11-22. Review status: criteria provided, single submitter. Criteria: Ambry Variant Classification Scheme 2023. Collection method: clinical testing. Allele origin: germline. Not counted in ClinVar's aggregate classification.

Labcorp Genetics (formerly Invitae), Labcorp
Classification: Likely benign for Hereditary thrombocytopenia and hematological cancer predisposition syndrome associated with RUNX1. Last evaluated: 2024-05-07. Review status: criteria provided, single submitter. Criteria: Invitae Variant Classification Sherloc (09022015). Collection method: clinical testing. Allele origin: germline. Not counted in ClinVar's aggregate classification.

PreventionGenetics, part of Exact Sciences
Classification: Likely benign. Review status: criteria provided, single submitter. Criteria: ACMG Guidelines, 2015. Collection method: clinical testing. Allele origin: germline. Not counted in ClinVar's aggregate classification.

NM_001754.5(RUNX1):c.1044C>T (p.His348=)

Gene: RUNX1 (RUNX family transcription factor 1; minus strand). Cytogenetic location: 21q22.12.
Variant type: single nucleotide variant.
Coding change: c.1044C>T on transcript NM_001754.5 (MANE Select); coding-DNA position 1044, C replaced by T.
Protein change: p.His348=; no amino-acid change (histidine 348 retained).
Molecular consequence: synonymous variant.
Genome position (GRCh38, 1-based): chr21:34,792,534, G>A on the plus strand (C>T on the coding strand, the complement: RUNX1 is on the minus strand). VCF-style: chr21-34792534-G-A. GRCh37 (hg19) VCF-style: chr21-36164831-G-A.
Other names: NM_001754.5(RUNX1):c.1044C>T; p.His348=; c.963C>T, p.His321= (NM_001001890.3).
Identifiers: ClinVar variation 258182 (VCV000258182.42), dbSNP rs773671764, ClinGen allele CA10014215.
Genomic context (GRCh38, chr21:34,792,534, plus strand): 5'-CATGCCGATGCCGATGCCCGAGGTGACCGGCGTCGGGGAGTAGGTGAAGGCGCCTGGATA[G>A]TGCATGCGGGGGTCGGAGATGGAGGGCAGCGCGGGGAACTGGCGCGGGTCGCTGAACGCT-3'
Protein context (NP_001745.2, residues 338-358): ALPSISDPRM[His348=]YPGAFTYSPT